The following is an entry in ClinVar:

ClinVar aggregate classification (germline): Uncertain significance (1 of 4 stars; one submission).

Conditions:
TRPS1-related disorder. Also called: TRPS1-related condition.

Submission:

PreventionGenetics, part of Exact Sciences
Classification: Uncertain significance for TRPS1-related condition. Last evaluated: 2026-08-03. Review status: criteria provided, single submitter. Criteria: ACMG Guidelines, 2015. Collection method: clinical testing. Allele origin: germline.
Comment: The TRPS1 c.2820C>A variant is predicted to result in the amino acid substitution p.His940Gln. To our knowledge, this variant has not been reported in the literature or in a large population database (gnomAD), indicating this variant is rare. At this time, the clinical significance of this variant is uncertain due to the absence of conclusive functional and genetic evidence.

NM_014112.5(TRPS1):c.2820C>A (p.His940Gln)

Gene: TRPS1 (transcriptional repressor GATA binding 1; minus strand). Cytogenetic location: 8q23.3.
Variant type: single nucleotide variant.
Coding change: c.2820C>A on transcript NM_014112.5 (MANE Select); coding-DNA position 2820, C replaced by A.
Protein change: p.His940Gln; replaces histidine 940 with glutamine.
Molecular consequence: missense variant.
Genome position (GRCh38, 1-based): chr8:115,418,333, G>T on the plus strand (C>A on the coding strand, the complement: TRPS1 is on the minus strand). VCF-style: chr8-115418333-G-T. GRCh37 (hg19) VCF-style: chr8-116430561-G-T.
Other names: c.2793C>A, p.His931Gln (NM_001282902.3); c.2799C>A, p.His933Gln (NM_001282903.3); c.2781C>A, p.His927Gln (NM_001330599.2); short protein forms H933Q, H940Q, H927Q, H931Q.
Identifiers: ClinVar variation 4991065 (VCV004991065.1).